The following is an entry in ClinVar:

ClinVar aggregate classification (germline): Uncertain significance. Review status: criteria provided, multiple submitters, no conflicts (2 of 4 stars). 2 submissions from 2 submitters: Uncertain significance (2). Last evaluated 2023-09-20.

Conditions:
Hereditary cancer-predisposing syndrome. Also called: Hereditary neoplastic syndrome; Hereditary Cancer Syndrome; Neoplastic Syndromes, Hereditary; Tumor predisposition. Identifiers: Orphanet 140162, MedGen C0027672, MeSH D009386, MONDO:0015356.
Neuroblastoma, susceptibility to, 3. Also called: ALK-Related Neuroblastic Tumor Susceptibility. Identifiers: Orphanet 635, MedGen C2751681, MONDO:0013083, OMIM 613014.

Allele frequency attached by ClinVar (database versions not stated): gnomAD exomes below 0.00001.
gnomAD v4.1: 1 of 1,614,040 alleles (0.000062%); highest among the groups gnomAD compares: Non-Finnish European, 0.000085%; no homozygotes.

Submissions (2):

Ambry Genetics
Classification: Uncertain significance for Hereditary cancer-predisposing syndrome. Last evaluated: 2023-09-20. Review status: criteria provided, single submitter. Criteria: Ambry Variant Classification Scheme 2023. Collection method: clinical testing. Allele origin: germline.
Comment: The p.F241S variant (also known as c.722T>C), located in coding exon 2 of the ALK gene, results from a T to C substitution at nucleotide position 722. The phenylalanine at codon 241 is replaced by serine, an amino acid with highly dissimilar properties. This amino acid position is conserved. In addition, this alteration is predicted to be tolerated by in silico analysis. Since supporting evidence is limited at this time, the clinical significance of this alteration remains unclear.

Labcorp Genetics (formerly Invitae), Labcorp
Classification: Uncertain significance for Neuroblastoma, susceptibility to, 3. Last evaluated: 2023-06-30. Review status: criteria provided, single submitter. Criteria: Invitae Variant Classification Sherloc (09022015). Collection method: clinical testing. Allele origin: germline.
Comment: In summary, the available evidence is currently insufficient to determine the role of this variant in disease. Therefore, it has been classified as a Variant of Uncertain Significance. An algorithm developed to predict the effect of missense changes on protein structure and function (PolyPhen-2) suggests that this variant is likely to be tolerated. This variant has not been reported in the literature in individuals affected with ALK-related conditions. This variant is not present in population databases (gnomAD no frequency). This sequence change replaces phenylalanine, which is neutral and non-polar, with serine, which is neutral and polar, at codon 241 of the ALK protein (p.Phe241Ser).

NM_004304.5(ALK):c.722T>C (p.Phe241Ser)

Gene: ALK (ALK receptor tyrosine kinase; minus strand). Cytogenetic location: 2p23.2.
Variant type: single nucleotide variant.
Coding change: c.722T>C on transcript NM_004304.5 (MANE Select); coding-DNA position 722, T replaced by C.
Protein change: p.Phe241Ser; replaces phenylalanine 241 with serine.
Molecular consequence: missense variant.
Genome position (GRCh38, 1-based): chr2:29,717,643, A>G on the plus strand (T>C on the coding strand, the complement: ALK is on the minus strand). VCF-style: chr2-29717643-A-G. GRCh37 (hg19) VCF-style: chr2-29940509-A-G.
Other names: c.722T>C (NM_004304.4); short protein forms F241S.
Identifiers: ClinVar variation 3007562 (VCV003007562.4), dbSNP rs2465432677, ClinGen allele CA346587746.